The following is an entry in ClinVar:

ClinVar aggregate classification (germline): Uncertain significance (1 of 4 stars; one submission).

gnomAD v4.1: 1 of 1,613,988 alleles (0.000062%); highest among the groups gnomAD compares: African/African-American, 0.0013%; no homozygotes.

Submission:

GeneDx
Classification: Uncertain significance. Last evaluated: 2023-06-07. Review status: criteria provided, single submitter. Criteria: GeneDx Variant Classification Process June 2021. Collection method: clinical testing. Allele origin: germline. Affected: yes.
Comment: Has not been previously published as pathogenic or benign to our knowledge; Not observed at significant frequency in large population cohorts (gnomAD); In silico analysis supports that this missense variant does not alter protein structure/function

NM_014000.3(VCL):c.2333A>G (p.Lys778Arg)

Gene: VCL (vinculin; plus strand). Cytogenetic location: 10q22.2.
Variant type: single nucleotide variant.
Coding change: c.2333A>G on transcript NM_014000.3 (MANE Select); coding-DNA position 2333, A replaced by G.
Protein change: p.Lys778Arg; replaces lysine 778 with arginine.
Molecular consequence: missense variant.
Genome position (GRCh38, 1-based): chr10:74,105,252, A>G. VCF-style: chr10-74105252-A-G. GRCh37 (hg19) VCF-style: chr10-75865010-A-G.
Other names: c.2333A>G, p.Lys778Arg (NM_003373.4); short protein forms K778R.
Identifiers: ClinVar variation 3359423 (VCV003359423.1).